The following is an entry in ClinVar:

NM_144599.5(NIPA1):c.298G>A (p.Ala100Thr)

Gene: NIPA1 (NIPA magnesium transporter 1; plus strand). Cytogenetic location: 15q11.2.
Variant type: single nucleotide variant.
Coding change: c.298G>A on transcript NM_144599.5 (MANE Select); coding-DNA position 298, G replaced by A.
Protein change: p.Ala100Thr; replaces alanine 100 with threonine.
Molecular consequence: missense variant.
Genome position (GRCh38, 1-based): chr15:22,812,234, G>A. VCF-style: chr15-22812234-G-A. GRCh37 (hg19) VCF-style: chr15-23060834-C-T.
Other names: c.73G>A, p.Ala25Thr (NM_001142275.1); short protein forms A100T, A25T.
Identifiers: ClinVar variation 3392567 (VCV003392567.1).

ClinVar aggregate classification (germline): Uncertain significance (1 of 4 stars; one submission).

gnomAD v4.1: 1 of 1,612,970 alleles (0.000062%); highest among the groups gnomAD compares: Non-Finnish European, 0.000085%; no homozygotes.

Submission:

GeneDx
Classification: Uncertain significance. Last evaluated: 2024-06-25. Review status: criteria provided, single submitter. Criteria: GeneDx Variant Classification Process June 2021. Collection method: clinical testing. Allele origin: germline. Affected: yes.
Comment: Reported in a patient with hereditary spastic paraplegia in published literature (PMID: 16795073); Not observed at significant frequency in large population cohorts (gnomAD); In silico analysis supports that this missense variant has a deleterious effect on protein structure/function; This variant is associated with the following publications: (PMID: 24075313, 21419568, 22302102, 17166836, 17220882, 18191948, 30190612, 21599812, 22378146, 34863451, 36607129, 35464835, 16795073)